The following is an entry in ClinVar:

ClinVar aggregate classification (germline): Uncertain significance (1 of 4 stars; one submission).

Conditions:
Werner syndrome (WRN). Identifiers: Orphanet 902, MedGen C0043119, MONDO:0010196, OMIM 277700.

gnomAD v4.1: 1 of 1,613,804 alleles (0.000062%); highest among the groups gnomAD compares: African/African-American, 0.0013%; no homozygotes.

Submission:

Labcorp Genetics (formerly Invitae), Labcorp
Classification: Uncertain significance for Werner syndrome. Last evaluated: 2022-07-19. Review status: criteria provided, single submitter. Criteria: Invitae Variant Classification Sherloc (09022015). Collection method: clinical testing. Allele origin: germline.
Comment: In summary, the available evidence is currently insufficient to determine the role of this variant in disease. Therefore, it has been classified as a Variant of Uncertain Significance. Algorithms developed to predict the effect of missense changes on protein structure and function are either unavailable or do not agree on the potential impact of this missense change (SIFT: "Not Available"; PolyPhen-2: "Possibly Damaging"; Align-GVGD: "Not Available"). ClinVar contains an entry for this variant (Variation ID: 1498842). This variant has not been reported in the literature in individuals affected with WRN-related conditions. This variant is not present in population databases (gnomAD no frequency). This sequence change replaces arginine, which is basic and polar, with leucine, which is neutral and non-polar, at codon 741 of the WRN protein (p.Arg741Leu).

NM_000553.6(WRN):c.2222G>T (p.Arg741Leu)

Gene: WRN (WRN RecQ like helicase; plus strand). Cytogenetic location: 8p12.
Variant type: single nucleotide variant.
Coding change: c.2222G>T on transcript NM_000553.6 (MANE Select); coding-DNA position 2222, G replaced by T.
Protein change: p.Arg741Leu; replaces arginine 741 with leucine.
Molecular consequence: missense variant.
Genome position (GRCh38, 1-based): chr8:31,111,748, G>T. VCF-style: chr8-31111748-G-T. GRCh37 (hg19) VCF-style: chr8-30969264-G-T.
Other names: short protein forms R741L.
Identifiers: ClinVar variation 1498842 (VCV001498842.8), dbSNP rs766561388, ClinGen allele CA370912835.